The following is an entry in ClinVar:

ClinVar aggregate classification (germline): Uncertain significance. Review status: criteria provided, multiple submitters, no conflicts (2 of 4 stars). 2 submissions from 2 submitters: Uncertain significance (2). Last evaluated 2025-08-06.

Allele frequency attached by ClinVar (database versions not stated): ExAC 0.00004; gnomAD 0.00007; gnomAD exomes 0.00009; 1000 Genomes Project 30x 0.00016; 1000 Genomes Project 0.00020.
gnomAD v4.1: 133 of 1,614,094 alleles (0.0082%); highest among the groups gnomAD compares: Non-Finnish European, 0.011%; no homozygotes.

Submissions (2):

Ambry Genetics
Classification: Uncertain significance. Last evaluated: 2025-08-06. Review status: criteria provided, single submitter. Criteria: Ambry Variant Classification Scheme 2023. Collection method: clinical testing. Allele origin: germline.

Labcorp Genetics (formerly Invitae), Labcorp
Classification: Uncertain significance. Last evaluated: 2022-08-31. Review status: criteria provided, single submitter. Criteria: Invitae Variant Classification Sherloc (09022015). Collection method: clinical testing. Allele origin: germline.
Comment: Algorithms developed to predict the effect of missense changes on protein structure and function are either unavailable or do not agree on the potential impact of this missense change (SIFT: "Deleterious"; PolyPhen-2: "Probably Damaging"; Align-GVGD: "Class C0"). This variant has not been reported in the literature in individuals affected with EXO5-related conditions. This variant is present in population databases (rs201027512, gnomAD 0.006%). This sequence change replaces aspartic acid, which is acidic and polar, with asparagine, which is neutral and polar, at codon 214 of the EXO5 protein (p.Asp214Asn). In summary, the available evidence is currently insufficient to determine the role of this variant in disease. Therefore, it has been classified as a Variant of Uncertain Significance.

NM_001346953.2(EXO5):c.640G>A (p.Asp214Asn)

Gene: EXO5 (exonuclease 5; plus strand). Cytogenetic location: 1p34.2.
Variant type: single nucleotide variant.
Coding change: c.640G>A on transcript NM_001346953.2 (MANE Select); coding-DNA position 640, G replaced by A.
Protein change: p.Asp214Asn; replaces aspartic acid 214 with asparagine.
Molecular consequence: missense variant.
Genome position (GRCh38, 1-based): chr1:40,515,184, G>A. VCF-style: chr1-40515184-G-A. GRCh37 (hg19) VCF-style: chr1-40980856-G-A.
Other names: c.640G>A, p.Asp214Asn (NM_001346946.2, NM_001346947.2, NM_001346948.2 and 8 more transcripts); c.640G>A (NM_022774.1); short protein forms D214N.
Identifiers: ClinVar variation 2178573 (VCV002178573.5), dbSNP rs201027512, ClinGen allele CA793337.
Genomic context (GRCh38, chr1:40,515,184, plus strand): 5'-CTGGCGGAACTCAAGACACGCAGGCGCCCTATGCTCCCTCTGGAAGCTCAGAAGAAGAAA[G>A]ACTGTTTTCAAGTCAGCCTATACAAATATATCTTTGATGCCATGGTACAAGGAAAAGTGA-3'
Protein context (NP_001333882.1, residues 204-224): MLPLEAQKKK[Asp214Asn]CFQVSLYKYI